The following is an entry in ClinVar:

NM_001370259.2(MEN1):c.824+3C>G

Gene: MEN1 (menin 1; minus strand). Cytogenetic location: 11q13.1.
Variant type: single nucleotide variant.
Coding change: c.824+3C>G on transcript NM_001370259.2 (MANE Select); 3 bases into the intron after coding-DNA position 824, C replaced by G.
Molecular consequence: intron variant.
Genome position (GRCh38, 1-based): chr11:64,807,176, G>C on the plus strand (C>G on the coding strand, the complement: MEN1 is on the minus strand). VCF-style: chr11-64807176-G-C. GRCh37 (hg19) VCF-style: chr11-64574648-G-C.
Other names: c.824+3C>G (NM_001370251.2, NM_001370261.2, NM_130799.3 and 1 more transcripts); c.839+3C>G (NM_130801.3, NM_130800.3, NM_130802.3 and 3 more transcripts); c.719+3C>G (NM_001370263.2, NM_001370262.2).
Identifiers: ClinVar variation 859820 (VCV000859820.9), dbSNP rs1941790535, ClinGen allele CA916081649.

ClinVar aggregate classification (germline): Uncertain significance (1 of 4 stars; one submission).

Conditions:
Multiple endocrine neoplasia, type 1 (MEN1). Also called: MEN I; WERMER SYNDROME; MEA I; Endocrine adenomatosis multiple; MEN 1. Identifiers: Orphanet 652, MedGen C0025267, MeSH D018761, MONDO:0007540, OMIM 131100.

Submission:

Labcorp Genetics (formerly Invitae), Labcorp
Classification: Uncertain significance for Multiple endocrine neoplasia, type 1. Last evaluated: 2019-02-14. Review status: criteria provided, single submitter. Criteria: Invitae Variant Classification Sherloc (09022015). Collection method: clinical testing. Allele origin: germline.
Comment: In summary, the available evidence is currently insufficient to determine the role of this variant in disease. Therefore, it has been classified as a Variant of Uncertain Significance. Nucleotide substitutions within the consensus splice site are a relatively common cause of aberrant splicing (PMID: 17576681, 9536098). Algorithms developed to predict the effect of sequence changes on RNA splicing suggest that this variant is not likely to affect RNA splicing, but this prediction has not been confirmed by published transcriptional studies. This variant has not been reported in the literature in individuals with MEN1-related conditions. This variant is not present in population databases (ExAC no frequency). This sequence change falls in intron 5 of the MEN1 gene. It does not directly change the encoded amino acid sequence of the MEN1 protein, but it affects a nucleotide within the consensus splice site of the intron.

Literature cited by the submitters: PubMed 17576681; PubMed 9536098.